The following is an entry in ClinVar:

NM_001457.4(FLNB):c.787+292C>T

Gene: FLNB (filamin B; plus strand). Cytogenetic location: 3p14.3.
Variant type: single nucleotide variant.
Coding change: c.787+292C>T on transcript NM_001457.4 (MANE Select); 292 bases into the intron after coding-DNA position 787, C replaced by T.
Molecular consequence: intron variant.
Genome position (GRCh38, 1-based): chr3:58,082,068, C>T. VCF-style: chr3-58082068-C-T. GRCh37 (hg19) VCF-style: chr3-58067795-C-T.
Other names: c.787+292C>T (NM_001164317.2, NM_001164318.2, NM_001164319.2).
Identifiers: ClinVar variation 683069 (VCV000683069.1), dbSNP rs3772998, ClinGen allele CA16143693.

ClinVar aggregate classification (germline): Benign (1 of 4 stars; one submission).

Allele frequency attached by ClinVar (database versions not stated): gnomAD 0.23247 and 0.23485; TOPMed 0.25778; 1000 Genomes Project 0.31430; 1000 Genomes Project 30x 0.31949.
gnomAD v4.1: 35,193 of 151,916 alleles (23%); highest among the groups gnomAD compares: African/African-American, 47%; 6,150 homozygotes.

Submission:

GeneDx
Classification: Benign. Last evaluated: 2018-06-19. Review status: criteria provided, single submitter. Criteria: GeneDx Variant Classification (06012015). Collection method: clinical testing. Allele origin: germline. Affected: yes.
Comment: This variant is considered likely benign or benign based on one or more of the following criteria: it is a conservative change, it occurs at a poorly conserved position in the protein, it is predicted to be benign by multiple in silico algorithms, and/or has population frequency not consistent with disease.